The following is an entry in ClinVar:

ClinVar aggregate classification (germline): Benign/Likely benign. Review status: criteria provided, multiple submitters, no conflicts (2 of 4 stars). 3 submissions from 3 submitters: Benign (1); Likely benign (2). Last evaluated 2025-12-16.

Conditions:
Emery-Dreifuss muscular dystrophy 5, autosomal dominant (EDMD5). Also called: EMERY-DREIFUSS MUSCULAR DYSTROPHY 5. Identifiers: Orphanet 261, MedGen C2751805, MONDO:0013072, OMIM 612999.

Allele frequency attached by ClinVar (database versions not stated): ESP Exome Variant Server 0.00008; TOPMed 0.00016; gnomAD exomes 0.00017; gnomAD 0.00021 and 0.00022; ExAC 0.00027.
gnomAD v4.1: 288 of 1,608,102 alleles (0.018%); highest among the groups gnomAD compares: Middle Eastern, 0.033%; no homozygotes.

Submissions (3):

Labcorp Genetics (formerly Invitae), Labcorp
Classification: Likely benign for Emery-Dreifuss muscular dystrophy 5, autosomal dominant. Last evaluated: 2025-12-16. Review status: criteria provided, single submitter. Criteria: Invitae Variant Classification Sherloc (09022015). Collection method: clinical testing. Allele origin: germline.

Blueprint Genetics
Classification: Likely benign. Last evaluated: 2024-09-11. Review status: criteria provided, single submitter. Criteria: ACMG Guidelines, 2015. Collection method: clinical testing. Allele origin: germline.

Illumina Laboratory Services, Illumina
Classification: Benign for Emery-Dreifuss muscular dystrophy 5, autosomal dominant. Last evaluated: 2018-01-13. Review status: criteria provided, single submitter. Criteria: ICSL Variant Classification Criteria 13 December 2019. Collection method: clinical testing. Allele origin: germline.
Comment: This variant was observed in the ICSL laboratory as part of a predisposition screen in an ostensibly healthy population. It had not been previously curated by ICSL or reported in the Human Gene Mutation Database (HGMD: prior to June 1st, 2018), and was therefore a candidate for classification through an automated scoring system. Utilizing variant allele frequency, disease prevalence and penetrance estimates, and inheritance mode, an automated score was calculated to assess if this variant is too frequent to cause the disease. Based on the score and internal cut-off values, a variant classified as benign is not then subjected to further curation. The score for this variant resulted in a classification of benign for this disease.

NM_182914.3(SYNE2):c.14340+11C>T

Gene: SYNE2 (spectrin repeat containing nuclear envelope protein 2; plus strand). Cytogenetic location: 14q23.2.
Variant type: single nucleotide variant.
Coding change: c.14340+11C>T on transcript NM_182914.3 (MANE Select); 11 bases into the intron after coding-DNA position 14340, C replaced by T.
Molecular consequence: intron variant.
Genome position (GRCh38, 1-based): chr14:64,130,259, C>T. VCF-style: chr14-64130259-C-T. GRCh37 (hg19) VCF-style: chr14-64596977-C-T.
Other names: c.14340+11C>T (NM_015180.6).
Identifiers: ClinVar variation 313600 (VCV000313600.13), dbSNP rs374706268, ClinGen allele CA7222748.
Genomic context (GRCh38, chr14:64,130,259, plus strand): 5'-AACAAACCAAAAGTAAAGTGGCGTTACAGGCTCAAATAGAAAATCACAAGGTGAGACAGA[C>T]ACATGGGTCGGGTGACCCCTTCATAGACTAAAATCTTAAGGTATTTCTGAATGTGAACAG-3'